The following is an entry in ClinVar:

NM_005876.5(SPEG):c.908C>T (p.Pro303Leu)

Gene: SPEG (striated muscle enriched protein kinase; plus strand). Cytogenetic location: 2q35.
Variant type: single nucleotide variant.
Coding change: c.908C>T on transcript NM_005876.5 (MANE Select); coding-DNA position 908, C replaced by T.
Protein change: p.Pro303Leu; replaces proline 303 with leucine.
Molecular consequence: missense variant.
Genome position (GRCh38, 1-based): chr2:219,448,066, C>T. VCF-style: chr2-219448066-C-T. GRCh37 (hg19) VCF-style: chr2-220312788-C-T.
Other names: short protein forms P303L.
Identifiers: ClinVar variation 1462375 (VCV001462375.6), dbSNP rs1689449711, ClinGen allele CA350716201.

ClinVar aggregate classification (germline): Uncertain significance (1 of 4 stars; one submission).

Allele frequency attached by ClinVar (database versions not stated): gnomAD exomes below 0.00001; TOPMed below 0.00001.
gnomAD v4.1: 1 of 1,610,564 alleles (0.000062%); highest among the groups gnomAD compares: Middle Eastern, 0.017%; no homozygotes.

Submission:

Labcorp Genetics (formerly Invitae), Labcorp
Classification: Uncertain significance. Last evaluated: 2024-02-16. Review status: criteria provided, single submitter. Criteria: Invitae Variant Classification Sherloc (09022015). Collection method: clinical testing. Allele origin: germline.
Comment: This sequence change replaces proline, which is neutral and non-polar, with leucine, which is neutral and non-polar, at codon 303 of the SPEG protein (p.Pro303Leu). This variant is not present in population databases (gnomAD no frequency). This variant has not been reported in the literature in individuals affected with SPEG-related conditions. ClinVar contains an entry for this variant (Variation ID: 1462375). Advanced modeling of protein sequence and biophysical properties (such as structural, functional, and spatial information, amino acid conservation, physicochemical variation, residue mobility, and thermodynamic stability) performed at Invitae indicates that this missense variant is expected to disrupt SPEG protein function with a positive predictive value of 95%. In summary, the available evidence is currently insufficient to determine the role of this variant in disease. Therefore, it has been classified as a Variant of Uncertain Significance.